The following is an entry in ClinVar:

ClinVar aggregate classification (germline): Uncertain significance (1 of 4 stars; one submission).

Submission:

GeneDx
Classification: Uncertain significance. Last evaluated: 2023-06-20. Review status: criteria provided, single submitter. Criteria: GeneDx Variant Classification Process June 2021. Collection method: clinical testing. Allele origin: germline. Affected: yes.
Comment: Not observed at significant frequency in large population cohorts (gnomAD); In silico analysis supports that this missense variant has a deleterious effect on protein structure/function; Has not been previously published as pathogenic or benign to our knowledge

NM_004004.6(GJB2):c.73C>T (p.Leu25Phe)

Gene: GJB2 (gap junction protein beta 2; minus strand). Cytogenetic location: 13q12.11.
Variant type: single nucleotide variant.
Coding change: c.73C>T on transcript NM_004004.6 (MANE Select); coding-DNA position 73, C replaced by T.
Protein change: p.Leu25Phe; replaces leucine 25 with phenylalanine.
Molecular consequence: missense variant.
Genome position (GRCh38, 1-based): chr13:20,189,509, G>A on the plus strand (C>T on the coding strand, the complement: GJB2 is on the minus strand). VCF-style: chr13-20189509-G-A. GRCh37 (hg19) VCF-style: chr13-20763648-G-A.
Other names: short protein forms L25F.
Identifiers: ClinVar variation 452192 (VCV000452192.3), dbSNP rs1555342006, ClinGen allele CA387462069.